The following is an entry in ClinVar:

ClinVar aggregate classification (germline): Uncertain significance. Review status: criteria provided, multiple submitters, no conflicts (2 of 4 stars). 2 submissions from 2 submitters: Uncertain significance (2). Last evaluated 2025-07-28.

Submissions (2):

Women's Health and Genetics/Laboratory Corporation of America, LabCorp
Classification: Uncertain significance. Last evaluated: 2025-07-28. Review status: criteria provided, single submitter. Criteria: LabCorp Variant Classification Summary - May 2015. Collection method: clinical testing. Allele origin: germline.
Comment: Variant summary: SETBP1 c.4565T>C (p.Leu1522Pro) results in a non-conservative amino acid change in the encoded protein sequence. Algorithms developed to predict the effect of missense changes on protein structure and function are either unavailable or do not agree on the potential impact of this missense change. The variant was absent in 57584 control chromosomes. The available data on variant occurrences in the general population are insufficient to allow any conclusion about variant significance. To our knowledge, no occurrence of c.4565T>C in individuals affected with SETBP1-Related Disorders and no experimental evidence demonstrating its impact on protein function have been reported. ClinVar contains an entry for this variant (Variation ID: 2168270). Based on the evidence outlined above, the variant was classified as uncertain significance.

Labcorp Genetics (formerly Invitae), Labcorp
Classification: Uncertain significance. Last evaluated: 2022-09-24. Review status: criteria provided, single submitter. Criteria: Invitae Variant Classification Sherloc (09022015). Collection method: clinical testing. Allele origin: germline.
Comment: In summary, the available evidence is currently insufficient to determine the role of this variant in disease. Therefore, it has been classified as a Variant of Uncertain Significance. Advanced modeling of protein sequence and biophysical properties (such as structural, functional, and spatial information, amino acid conservation, physicochemical variation, residue mobility, and thermodynamic stability) performed at Invitae indicates that this missense variant is not expected to disrupt SETBP1 protein function. This variant has not been reported in the literature in individuals affected with SETBP1-related conditions. This variant is not present in population databases (gnomAD no frequency). This sequence change replaces leucine, which is neutral and non-polar, with proline, which is neutral and non-polar, at codon 1522 of the SETBP1 protein (p.Leu1522Pro).

NM_015559.3(SETBP1):c.4565T>C (p.Leu1522Pro)

Gene: SETBP1 (SET binding protein 1; plus strand). Cytogenetic location: 18q12.3.
Variant type: single nucleotide variant.
Coding change: c.4565T>C on transcript NM_015559.3 (MANE Select); coding-DNA position 4565, T replaced by C.
Protein change: p.Leu1522Pro; replaces leucine 1522 with proline.
Molecular consequence: missense variant.
Genome position (GRCh38, 1-based): chr18:45,063,472, T>C. VCF-style: chr18-45063472-T-C. GRCh37 (hg19) VCF-style: chr18-42643437-T-C.
Other names: c.4565T>C, p.Leu1522Pro (NM_001379141.1, NM_001379142.1); c.4394T>C, p.Leu1465Pro (NM_001410862.1); short protein forms L1465P, L1522P.
Identifiers: ClinVar variation 2168270 (VCV002168270.5), dbSNP rs1433115749, ClinGen allele CA402483693.